The following is an entry in ClinVar:

NM_003922.4(HERC1):c.89C>T (p.Thr30Ile)

Gene: HERC1 (HECT and RLD domain containing E3 ubiquitin protein ligase family member 1; minus strand). Cytogenetic location: 15q22.31.
Variant type: single nucleotide variant.
Coding change: c.89C>T on transcript NM_003922.4 (MANE Select); coding-DNA position 89, C replaced by T.
Protein change: p.Thr30Ile; replaces threonine 30 with isoleucine.
Molecular consequence: missense variant.
Genome position (GRCh38, 1-based): chr15:63,775,535, G>A on the plus strand (C>T on the coding strand, the complement: HERC1 is on the minus strand). VCF-style: chr15-63775535-G-A. GRCh37 (hg19) VCF-style: chr15-64067734-G-A.
Other names: short protein forms T30I.
Identifiers: ClinVar variation 1723645 (VCV001723645.4), dbSNP rs774548979, ClinGen allele CA392807309.

ClinVar aggregate classification (germline): Uncertain significance. Review status: criteria provided, multiple submitters, no conflicts (2 of 4 stars). 2 submissions from 2 submitters: Uncertain significance (2). Last evaluated 2025-08-08.

Conditions:
Inborn genetic diseases. Identifiers: MedGen C0950123, MeSH D030342.

Allele frequency attached by ClinVar (database versions not stated): gnomAD 0.00001; TOPMed 0.00001.

Submissions (2):

Ambry Genetics
Classification: Uncertain significance for Inborn genetic diseases. Last evaluated: 2025-08-08. Review status: criteria provided, single submitter. Criteria: Ambry Variant Classification Scheme 2023. Collection method: clinical testing. Allele origin: germline.

GeneDx
Classification: Uncertain significance. Last evaluated: 2024-04-10. Review status: criteria provided, single submitter. Criteria: GeneDx Variant Classification Process June 2021. Collection method: clinical testing. Allele origin: germline. Affected: yes.
Comment: Not observed at significant frequency in large population cohorts (gnomAD); In silico analysis supports that this missense variant has a deleterious effect on protein structure/function; Has not been previously published as pathogenic or benign to our knowledge